The following is an entry in ClinVar:

ClinVar aggregate classification (germline): Uncertain significance (1 of 4 stars; one submission).

Allele frequency attached by ClinVar (database versions not stated): gnomAD exomes below 0.00001.
gnomAD v4.1: 1 of 1,599,528 alleles (0.000063%); highest among the groups gnomAD compares: Non-Finnish European, 0.000085%; no homozygotes.

Submission:

GeneDx
Classification: Uncertain significance. Last evaluated: 2022-07-19. Review status: criteria provided, single submitter. Criteria: GeneDx Variant Classification Process June 2021. Collection method: clinical testing. Allele origin: germline. Affected: yes.
Comment: Not observed at significant frequency in large population cohorts (gnomAD); In-silico analysis is inconclusive as to whether the variant alters gene splicing. In the absence of RNA/functional studies, the actual effect of this sequence change is unknown.; Has not been previously published as pathogenic or benign to our knowledge

NM_177939.3(P4HTM):c.1073+129G>C

Gene: P4HTM (prolyl 4-hydroxylase, transmembrane; plus strand). Cytogenetic location: 3p21.31.
Variant type: single nucleotide variant.
Coding change: c.1073+129G>C on transcript NM_177939.3 (MANE Select); 129 bases into the intron after coding-DNA position 1073, G replaced by C.
Molecular consequence: intron variant.
Genome position (GRCh38, 1-based): chr3:49,005,175, G>C. VCF-style: chr3-49005175-G-C. GRCh37 (hg19) VCF-style: chr3-49042608-G-C.
Other names: c.1197+5G>C (NM_177938.2).
Identifiers: ClinVar variation 2135986 (VCV002135986.1), dbSNP rs2471547207, ClinGen allele CA2580069967.